The following is an entry in ClinVar:

ClinVar aggregate classification (germline): Conflicting classifications of pathogenicity. Review status: criteria provided, conflicting classifications (1 of 4 stars). 2 submissions from 2 submitters: Uncertain significance (1); Likely benign (1). Last evaluated 2025-12-03.

Allele frequency attached by ClinVar (database versions not stated): TOPMed 0.00011.
gnomAD v4.1: 125 of 1,613,826 alleles (0.0077%); highest among the groups gnomAD compares: Admixed American, 0.018%; 1 homozygote.

Submissions (2):

Ambry Genetics
Classification: Likely benign. Last evaluated: 2025-12-03. Review status: criteria provided, single submitter. Criteria: Ambry Variant Classification Scheme 2023. Collection method: clinical testing. Allele origin: germline.

Labcorp Genetics (formerly Invitae), Labcorp
Classification: Uncertain significance. Last evaluated: 2024-10-16. Review status: criteria provided, single submitter. Criteria: Invitae Variant Classification Sherloc (09022015). Collection method: clinical testing. Allele origin: germline.
Comment: This sequence change replaces threonine, which is neutral and polar, with methionine, which is neutral and non-polar, at codon 373 of the C8A protein (p.Thr373Met). The frequency data for this variant in the population databases is considered unreliable, as metrics indicate poor data quality at this position in the gnomAD database. This variant has not been reported in the literature in individuals affected with C8A-related conditions. ClinVar contains an entry for this variant (Variation ID: 1403489). An algorithm developed to predict the effect of missense changes on protein structure and function outputs the following: PolyPhen-2: "Benign". The methionine amino acid residue is found in multiple mammalian species, which suggests that this missense change does not adversely affect protein function. In summary, the available evidence is currently insufficient to determine the role of this variant in disease. Therefore, it has been classified as a Variant of Uncertain Significance.

NM_000562.3(C8A):c.1118C>T (p.Thr373Met)

Gene: C8A (complement C8 alpha chain; plus strand). Cytogenetic location: 1p32.2.
Variant type: single nucleotide variant.
Coding change: c.1118C>T on transcript NM_000562.3 (MANE Select); coding-DNA position 1118, C replaced by T.
Protein change: p.Thr373Met; replaces threonine 373 with methionine.
Molecular consequence: missense variant.
Genome position (GRCh38, 1-based): chr1:56,906,688, C>T. VCF-style: chr1-56906688-C-T. GRCh37 (hg19) VCF-style: chr1-57372361-C-T.
Other names: c.1118C>T (NM_000562.2); short protein forms T373M.
Identifiers: ClinVar variation 1403489 (VCV001403489.6), dbSNP rs766402054, ClinGen allele CA875251.